The following is an entry in ClinVar:

NM_001007792.1(NTRK1):c.67G>A (p.Asp23Asn)

Genes: INSRR (insulin receptor related receptor; minus strand), NTRK1 (neurotrophic receptor tyrosine kinase 1; plus strand). Cytogenetic location: 1q23.1.
Variant type: single nucleotide variant.
Coding change: c.67G>A on transcript NM_001007792.1; coding-DNA position 67, G replaced by A.
Protein change: p.Asp23Asn; replaces aspartic acid 23 with asparagine.
Molecular consequence: missense variant.
Genome position (GRCh38, 1-based): chr1:156,842,138, G>A. VCF-style: chr1-156842138-G-A. GRCh37 (hg19) VCF-style: chr1-156811930-G-A.
Other names: c.3371C>T, p.Ser1124Phe (NM_014215.3); short protein forms D23N, S1124F.
Identifiers: ClinVar variation 3769991 (VCV003769991.1).

ClinVar aggregate classification (germline): Uncertain significance (1 of 4 stars; one submission).

gnomAD v4.1: 1 of 1,613,962 alleles (0.000062%); no homozygotes.

Submission:

GeneDx
Classification: Uncertain significance. Last evaluated: 2024-09-11. Review status: criteria provided, single submitter. Criteria: GeneDx Variant Classification Process June 2021. Collection method: clinical testing. Allele origin: germline. Affected: yes.
Comment: Not observed at significant frequency in large population cohorts (gnomAD); In silico analysis supports that this missense variant has a deleterious effect on protein structure/function; Has not been previously published as pathogenic or benign to our knowledge; Reported using an alternate transcript of the gene